The following is an entry in ClinVar:

ClinVar aggregate classification (germline): Uncertain significance. Review status: criteria provided, multiple submitters, no conflicts (2 of 4 stars). 3 submissions from 3 submitters: Uncertain significance (3). Last evaluated 2024-11-28.

Conditions:
Hereditary cancer-predisposing syndrome. Also called: Neoplastic Syndromes, Hereditary; Tumor predisposition; Hereditary neoplastic syndrome; Hereditary Cancer Syndrome. Identifiers: Orphanet 140162, MedGen C0027672, MeSH D009386, MONDO:0015356.
Nijmegen breakage syndrome-like disorder (NBSLD). Also called: MICROCEPHALY AND SPONTANEOUS CHROMOSOME INSTABILITY WITHOUT IMMUNODEFICIENCY; NBS-LIKE DISORDER; RAD50 DEFICIENCY. Identifiers: Orphanet 240760, MedGen C2751318, MONDO:0013118, OMIM 613078.

gnomAD v4.1: 6 of 1,613,190 alleles (0.00037%); highest among the groups gnomAD compares: Non-Finnish European, 0.00051%; no homozygotes.

Submissions (3):

Ambry Genetics
Classification: Uncertain significance for Hereditary cancer-predisposing syndrome. Last evaluated: 2024-11-28. Review status: criteria provided, single submitter. Criteria: Ambry Variant Classification Scheme 2023. Collection method: clinical testing. Allele origin: germline.
Comment: The p.H1247R variant (also known as c.3740A>G), located in coding exon 24 of the RAD50 gene, results from an A to G substitution at nucleotide position 3740. The histidine at codon 1247 is replaced by arginine, an amino acid with highly similar properties. This amino acid position is well conserved in available vertebrate species. In addition, this alteration is predicted to be tolerated by in silico analysis. Since supporting evidence is limited at this time, the clinical significance of this alteration remains unclear.

Labcorp Genetics (formerly Invitae), Labcorp
Classification: Uncertain significance for Hereditary cancer-predisposing syndrome. Last evaluated: 2023-11-06. Review status: criteria provided, single submitter. Criteria: Invitae Variant Classification Sherloc (09022015). Collection method: clinical testing. Allele origin: germline.
Comment: This sequence change replaces histidine, which is basic and polar, with arginine, which is basic and polar, at codon 1247 of the RAD50 protein (p.His1247Arg). This variant is not present in population databases (gnomAD no frequency). This variant has not been reported in the literature in individuals affected with RAD50-related conditions. ClinVar contains an entry for this variant (Variation ID: 568613). Advanced modeling of protein sequence and biophysical properties (such as structural, functional, and spatial information, amino acid conservation, physicochemical variation, residue mobility, and thermodynamic stability) performed at Invitae indicates that this missense variant is not expected to disrupt RAD50 protein function with a negative predictive value of 80%. In summary, the available evidence is currently insufficient to determine the role of this variant in disease. Therefore, it has been classified as a Variant of Uncertain Significance.

Sema4
Classification: Uncertain significance for Nijmegen breakage syndrome-like disorder. Last evaluated: 2022-02-22. Review status: criteria provided, single submitter. Criteria: Sema4 Curation Guidelines. Collection method: curation. Allele origin: germline.
Comment: The RAD50 c.3740A>G (p.H1247R) variant has not been reported in the literature to our knowledge. It has been reported in a large case-control study of breast cancer in 2/60466 cases and 0/53461 controls (PMID: 33471991). It was not observed in the large and broad cohorts of the Genome Aggregation Database (PMID: 32461654). This variant has been reported in ClinVar (Variation ID 568613). Functional studies have not been performed, and in silico predictions of the variant's effect on protein function are inconclusive. The evidence is insufficient to meet ACMG/AMP criteria for classifying the variant as benign or pathogenic. Thus, the clinical significance of this variant is currently uncertain.

Literature cited by the submitters: PubMed 33471991 (cited by Sema4).

NM_005732.4(RAD50):c.3740A>G (p.His1247Arg)

Genes: TH2LCRR (T helper type 2 locus control region associated RNA; minus strand), TH2-LCR (Th2 cytokine locus control region; plus strand), RAD50 (RAD50 double strand break repair protein; plus strand). Cytogenetic location: 5q31.1.
Variant type: single nucleotide variant.
Coding change: c.3740A>G on transcript NM_005732.4 (MANE Select); coding-DNA position 3740, A replaced by G.
Protein change: p.His1247Arg; replaces histidine 1247 with arginine.
Molecular consequence: missense variant.
Genome position (GRCh38, 1-based): chr5:132,640,793, A>G. VCF-style: chr5-132640793-A-G. GRCh37 (hg19) VCF-style: chr5-131976485-A-G.
Other names: short protein forms H1247R.
Identifiers: ClinVar variation 568613 (VCV000568613.18), dbSNP rs1397349878, ClinGen allele CA360934965.